The following is an entry in ClinVar:

ClinVar aggregate classification (germline): Uncertain significance. Review status: criteria provided, multiple submitters, no conflicts (2 of 4 stars). 4 submissions from 4 submitters: Uncertain significance (3). 1 of the submissions does not count toward it. Last evaluated 2024-05-31.

Conditions:
Abetalipoproteinaemia (ABL). Also called: MTP DEFICIENCY; Abetalipoproteinemia; Abetalipoproteinemia neuropathy; Apolipoprotein B deficiency; Congenital betalipoprotein deficiency syndrome. Identifiers: Orphanet 14, MedGen C0000744, MONDO:0008692, OMIM 200100, HP:0008181.

Allele frequency attached by ClinVar (database versions not stated): gnomAD 0.00001; gnomAD exomes 0.00001; TOPMed 0.00001; ExAC 0.00002.
gnomAD v4.1: 21 of 1,613,124 alleles (0.0013%); highest among the groups gnomAD compares: East Asian, 0.047%; no homozygotes.

Submissions (4):

Blueprint Genetics
Classification: Uncertain significance. Last evaluated: 2024-05-31. Review status: criteria provided, single submitter. Criteria: ACMG Guidelines, 2015. Collection method: clinical testing. Allele origin: germline.

Labcorp Genetics (formerly Invitae), Labcorp
Classification: Uncertain significance. Last evaluated: 2022-07-19. Review status: criteria provided, single submitter. Criteria: Invitae Variant Classification Sherloc (09022015). Collection method: clinical testing. Allele origin: germline.
Comment: This sequence change replaces alanine, which is neutral and non-polar, with valine, which is neutral and non-polar, at codon 232 of the MTTP protein (p.Ala232Val). This variant is present in population databases (rs748108500, gnomAD 0.02%). This variant has not been reported in the literature in individuals affected with MTTP-related conditions. ClinVar contains an entry for this variant (Variation ID: 347027). Algorithms developed to predict the effect of missense changes on protein structure and function (SIFT, PolyPhen-2, Align-GVGD) all suggest that this variant is likely to be tolerated. In summary, the available evidence is currently insufficient to determine the role of this variant in disease. Therefore, it has been classified as a Variant of Uncertain Significance.

Illumina Laboratory Services, Illumina
Classification: Uncertain significance for Abetalipoproteinaemia. Last evaluated: 2018-01-13. Review status: criteria provided, single submitter. Criteria: ICSL Variant Classification Criteria 13 December 2019. Collection method: clinical testing. Allele origin: germline.

Natera, Inc.
Classification: Uncertain significance for Abetalipoproteinemia. Last evaluated: 2020-08-14. Review status: no assertion criteria provided. Collection method: clinical testing. Allele origin: germline. Not counted in ClinVar's aggregate classification.

NM_001386140.1(MTTP):c.695C>T (p.Ala232Val)

Gene: MTTP (microsomal triglyceride transfer protein; plus strand). Cytogenetic location: 4q23.
Variant type: single nucleotide variant.
Coding change: c.695C>T on transcript NM_001386140.1 (MANE Select); coding-DNA position 695, C replaced by T.
Protein change: p.Ala232Val; replaces alanine 232 with valine.
Molecular consequence: missense variant.
Genome position (GRCh38, 1-based): chr4:99,591,727, C>T. VCF-style: chr4-99591727-C-T. GRCh37 (hg19) VCF-style: chr4-100512884-C-T.
Other names: c.695C>T, p.Ala232Val (NM_000253.4); c.446C>T, p.Ala149Val (NM_001300785.2); short protein forms A232V, A149V.
Identifiers: ClinVar variation 347027 (VCV000347027.9), dbSNP rs748108500, ClinGen allele CA3021920.